The following is an entry in ClinVar:

NM_001458.5(FLNC):c.3481A>T (p.Ser1161Cys)

Gene: FLNC (filamin C; plus strand). Cytogenetic location: 7q32.1.
Variant type: single nucleotide variant.
Coding change: c.3481A>T on transcript NM_001458.5 (MANE Select); coding-DNA position 3481, A replaced by T.
Protein change: p.Ser1161Cys; replaces serine 1161 with cysteine.
Molecular consequence: missense variant.
Genome position (GRCh38, 1-based): chr7:128,844,946, A>T. VCF-style: chr7-128844946-A-T. GRCh37 (hg19) VCF-style: chr7-128485000-A-T.
Other names: c.3481A>T, p.Ser1161Cys (NM_001127487.2); short protein forms S1161C.
Identifiers: ClinVar variation 5037767 (VCV005037767.1).

ClinVar aggregate classification (germline): VUS-mid (1 of 4 stars; one submission).

Conditions:
Hypertrophic cardiomyopathy 26. Also called: Cardiomyopathy, familial hypertrophic, 26. Identifiers: Orphanet 75249, MedGen C4310749, MONDO:0014883, OMIM 617047.

Submission:

Center for Molecular Medicine, Children’s Hospital of Fudan University
Classification: VUS-mid for Hypertrophic cardiomyopathy 26. Last evaluated: 2025-12-12. Review status: criteria provided, single submitter. Criteria: ACMG Guidelines 2015. Collection method: clinical testing. Allele origin: unknown. Affected: yes.
Comment: PM2_PP+PP3